The following is an entry in ClinVar:

ClinVar aggregate classification (germline): Conflicting classifications of pathogenicity. Review status: criteria provided, conflicting classifications (1 of 4 stars). 9 submissions from 9 submitters: Uncertain significance (3); Likely benign (6). Last evaluated 2026-04-20.

Conditions:
TRDN-related disorder. Also called: TRDN-related condition.
Cardiovascular phenotype. Identifiers: MedGen CN230736.
Catecholaminergic polymorphic ventricular tachycardia 5 (CARDAR). Also called: Ventricular tachycardia, catecholaminergic polymorphic, 5, with or without muscle weakness; CARDIAC ARRHYTHMIA SYNDROME, WITH OR WITHOUT SKELETAL MUSCLE WEAKNESS. Identifiers: Orphanet 3286, MedGen C3809536, MONDO:0014191, OMIM 615441.
Catecholaminergic polymorphic ventricular tachycardia 1. Also called: RYR2-Related Catecholaminergic Polymorphic Ventricular Tachycardia; VENTRICULAR TACHYCARDIA, CATECHOLAMINERGIC POLYMORPHIC, 1, WITH OR WITHOUT ATRIAL DYSFUNCTION AND/OR DILATED CARDIOMYOPATHY; VENTRICULAR TACHYCARDIA, STRESS-INDUCED POLYMORPHIC 1. Identifiers: Orphanet 3286, MedGen C1631597, MONDO:0011484, OMIM 604772.

Allele frequency attached by ClinVar (database versions not stated): gnomAD exomes 0.00011 and 0.00034; ExAC 0.00075; ESP Exome Variant Server 0.00095; gnomAD 0.00130 and 0.00133; TOPMed 0.00147; 1000 Genomes Project 0.00220; 1000 Genomes Project 30x 0.00250.
gnomAD v4.1: 350 of 1,534,802 alleles (0.023%); highest among the groups gnomAD compares: African/African-American, 0.45%; no homozygotes.

Submissions (9):

PreventionGenetics, part of Exact Sciences
Classification: Likely benign for TRDN-related condition. Last evaluated: 2026-04-20. Review status: criteria provided, single submitter. Criteria: ACMG Guidelines, 2015. Collection method: clinical testing. Allele origin: germline.
Comment: This variant is classified as likely benign based on ACMG/AMP sequence variant interpretation guidelines (Richards et al. 2015 PMID: 25741868, with internal and published modifications).

Labcorp Genetics (formerly Invitae), Labcorp
Classification: Likely benign for Catecholaminergic polymorphic ventricular tachycardia 1. Last evaluated: 2026-01-31. Review status: criteria provided, single submitter. Criteria: Invitae Variant Classification Sherloc (09022015). Collection method: clinical testing. Allele origin: germline.

Molecular Diagnostic Laboratory for Inherited Cardiovascular Disease, Montreal Heart Institute
Classification: Uncertain significance for Cardiovascular phenotype. Last evaluated: 2025-04-09. Review status: criteria provided, single submitter. Criteria: ACMG Guidelines, 2015. Collection method: clinical testing. Allele origin: germline. Affected: yes.

Women's Health and Genetics/Laboratory Corporation of America, LabCorp
Classification: Likely benign. Last evaluated: 2024-12-27. Review status: criteria provided, single submitter. Criteria: LabCorp Variant Classification Summary - May 2015. Collection method: clinical testing. Allele origin: germline.
Comment: Variant summary: TRDN c.1713A>C (p.Glu571Asp) results in a conservative amino acid change in the encoded protein sequence. Four of five in-silico tools predict a benign effect of the variant on protein function. The variant allele was found at a frequency of 0.00034 in 150848 control chromosomes, predominantly at a frequency of 0.0053 within the African or African-American subpopulation in the gnomAD database. The observed variant frequency within African or African-American control individuals in the gnomAD database is approximately 3 fold of the estimated maximal expected allele frequency for a pathogenic variant in TRDN causing Catecholaminergic Polymorphic Ventricular Tachycardia phenotype (0.0016). To our knowledge, no occurrence of c.1713A>C in individuals affected with Catecholaminergic Polymorphic Ventricular Tachycardia and no experimental evidence demonstrating its impact on protein function have been reported. ClinVar contains an entry for this variant (Variation ID: 415185). Based on the evidence outlined above, the variant was classified as likely benign.

Blueprint Genetics
Classification: Likely benign. Last evaluated: 2023-12-29. Review status: criteria provided, single submitter. Criteria: ACMG Guidelines, 2015. Collection method: clinical testing. Allele origin: germline.

Laboratorio de Genetica e Diagnostico Molecular, Hospital Israelita Albert Einstein
Classification: Uncertain significance for Catecholaminergic polymorphic ventricular tachycardia 5. Last evaluated: 2022-06-06. Review status: criteria provided, single submitter. Criteria: ACMG Guidelines, 2015. Collection method: clinical testing. Allele origin: germline. Affected: yes.
Comment: ACMG classification criteria: BP4 supporting

GeneDx
Classification: Likely benign. Last evaluated: 2020-09-09. Review status: criteria provided, single submitter. Criteria: GeneDx Variant Classification Process June 2021. Collection method: clinical testing. Allele origin: germline. Affected: yes.

Mayo Clinic Laboratories, Mayo Clinic
Classification: Uncertain significance. Last evaluated: 2020-02-04. Review status: criteria provided, single submitter. Criteria: ACMG Guidelines, 2015. Collection method: clinical testing. Allele origin: germline. Observed: 1 variant allele.

Ambry Genetics
Classification: Likely benign for Cardiovascular phenotype. Last evaluated: 2018-09-06. Review status: criteria provided, single submitter. Criteria: Ambry Variant Classification Scheme 2023. Collection method: clinical testing. Allele origin: germline.

Literature cited by the submitters: PubMed 25650408 (cited by Ambry Genetics).

NM_006073.4(TRDN):c.1713A>C (p.Glu571Asp)

Gene: TRDN (triadin; minus strand). Cytogenetic location: 6q22.31.
Variant type: single nucleotide variant.
Coding change: c.1713A>C on transcript NM_006073.4 (MANE Select); coding-DNA position 1713, A replaced by C.
Protein change: p.Glu571Asp; replaces glutamic acid 571 with aspartic acid.
Molecular consequence: missense variant.
Genome position (GRCh38, 1-based): chr6:123,271,146, T>G on the plus strand (A>C on the coding strand, the complement: TRDN is on the minus strand). VCF-style: chr6-123271146-T-G. GRCh37 (hg19) VCF-style: chr6-123592291-T-G.
Other names: short protein forms E571D.
Identifiers: ClinVar variation 415185 (VCV000415185.30), dbSNP rs201115952, ClinGen allele CA3983801.